The following is an entry in ClinVar:

ClinVar aggregate classification (germline): Uncertain significance. Review status: criteria provided, multiple submitters, no conflicts (2 of 4 stars). 3 submissions from 3 submitters: Uncertain significance (3). Last evaluated 2026-02-02.

Conditions:
ALPK1-related disorder. Also called: ALPK1-related condition.
Inborn genetic diseases. Identifiers: MedGen C0950123, MeSH D030342.

Allele frequency attached by ClinVar (database versions not stated): TOPMed 0.00006; ExAC 0.00007; gnomAD exomes 0.00008; gnomAD 0.00009.
gnomAD v4.1: 141 of 1,613,416 alleles (0.0087%); highest among the groups gnomAD compares: Middle Eastern, 0.13%; no homozygotes.

Submissions (3):

Labcorp Genetics (formerly Invitae), Labcorp
Classification: Uncertain significance. Last evaluated: 2026-02-02. Review status: criteria provided, single submitter. Criteria: Invitae Variant Classification Sherloc (09022015). Collection method: clinical testing. Allele origin: germline.
Comment: This sequence change replaces leucine, which is neutral and non-polar, with proline, which is neutral and non-polar, at codon 11 of the ALPK1 protein (p.Leu11Pro). This variant is present in population databases (rs747314175, gnomAD 0.03%). This variant has not been reported in the literature in individuals affected with ALPK1-related conditions. ClinVar contains an entry for this variant (Variation ID: 2070364). An algorithm developed to predict the effect of missense changes on protein structure and function (PolyPhen-2) suggests that this variant is likely to be disruptive. In summary, the available evidence is currently insufficient to determine the role of this variant in disease. Therefore, it has been classified as a Variant of Uncertain Significance.

Ambry Genetics
Classification: Uncertain significance for Inborn genetic diseases. Last evaluated: 2024-08-05. Review status: criteria provided, single submitter. Criteria: Ambry Variant Classification Scheme 2023. Collection method: clinical testing. Allele origin: germline.

PreventionGenetics, part of Exact Sciences
Classification: Uncertain significance for ALPK1-related condition. Last evaluated: 2022-12-15. Review status: criteria provided, single submitter. Criteria: ACMG Guidelines, 2015. Collection method: clinical testing. Allele origin: germline.
Comment: The ALPK1 c.32T>C variant is predicted to result in the amino acid substitution p.Leu11Pro. To our knowledge, this variant has not been reported in the literature. This variant is reported in 0.026% of alleles in individuals of Latino descent in gnomAD. Although we suspect that this variant may be benign, at this time, the clinical significance of this variant is uncertain due to the absence of conclusive functional and genetic evidence.

NM_025144.4(ALPK1):c.32T>C (p.Leu11Pro)

Gene: ALPK1 (alpha kinase 1; plus strand). Cytogenetic location: 4q25.
Variant type: single nucleotide variant.
Coding change: c.32T>C on transcript NM_025144.4 (MANE Select); coding-DNA position 32, T replaced by C.
Protein change: p.Leu11Pro; replaces leucine 11 with proline.
Molecular consequence: missense variant. On other transcripts: 5 prime UTR variant (1).
Genome position (GRCh38, 1-based): chr4:112,377,809, T>C. VCF-style: chr4-112377809-T-C. GRCh37 (hg19) VCF-style: chr4-113298965-T-C.
Other names: c.32T>C, p.Leu11Pro (NM_001102406.2); c.-48T>C (NM_001253884.2); c.32T>C (NM_001102406.1); short protein forms L11P.
Identifiers: ClinVar variation 2070364 (VCV002070364.7), dbSNP rs747314175, ClinGen allele CA3046229.
Genomic context (GRCh38, chr4:112,377,809, plus strand): 5'-CCAGGGACACCCAATTCATCGTAATCATCATGAATAATCAAAAAGTGGTAGCTGTGCTAC[T>C]GCAAGAGTGCAAGCAAGTGCTGGATCAGCTCTTGTTGGAAGCGCCAGATGTGTCGGAAGA-3'
Protein context (NP_079420.3, residues 1-21): MNNQKVVAVL[Leu11Pro]QECKQVLDQL